The following is an entry in ClinVar:

ClinVar aggregate classification (germline): Uncertain significance (1 of 4 stars; one submission).

Conditions:
Inborn genetic diseases. Identifiers: MedGen C0950123, MeSH D030342.

Submission:

Ambry Genetics
Classification: Uncertain significance for Inborn genetic diseases. Last evaluated: 2026-03-14. Review status: criteria provided, single submitter. Criteria: Ambry Variant Classification Scheme 2023. Collection method: clinical testing. Allele origin: germline.
Comment: The p.L185P variant (also known as c.554T>C), located in coding exon 5 of the PAX5 gene, results from a T to C substitution at nucleotide position 554. The leucine at codon 185 is replaced by proline, an amino acid with similar properties. This amino acid position is conserved. In addition, this alteration is predicted to be deleterious by in silico analysis. Based on the available evidence, the clinical significance of this variant remains unclear.

NM_016734.3(PAX5):c.554T>C (p.Leu185Pro)

Genes: PAX5 (paired box 5; minus strand), LOC105376032 (uncharacterized LOC105376032; plus strand). Cytogenetic location: 9p13.2.
Variant type: single nucleotide variant.
Coding change: c.554T>C on transcript NM_016734.3 (MANE Select); coding-DNA position 554, T replaced by C.
Protein change: p.Leu185Pro; replaces leucine 185 with proline.
Molecular consequence: missense variant. On other transcripts: non-coding transcript variant (2), intron variant (2).
Genome position (GRCh38, 1-based): chr9:37,002,698, A>G on the plus strand (T>C on the coding strand, the complement: PAX5 is on the minus strand). VCF-style: chr9-37002698-A-G. GRCh37 (hg19) VCF-style: chr9-37002695-A-G.
Other names: c.554T>C, p.Leu185Pro (NM_001280547.2, NM_001280548.2, NM_001280549.2 and 2 more transcripts); c.230T>C, p.Leu77Pro (NM_001280551.2, NM_001280556.2); c.356T>C, p.Leu119Pro (NM_001280555.2); c.475+3775T>C (NM_001280553.2, NM_001280554.2); short protein forms L185P, L77P, L119P.
Identifiers: ClinVar variation 4827576 (VCV004827576.1).
Genomic context (GRCh38, chr9:37,002,698, plus strand): 5'-CCTCTCTTACCTTCGTCTCTCTTGCGCTTGTTGGTGTCGGCGCTGGGGGACGTGATGCCC[A>G]GGATGCCGCTGATGGAGTACGACGAGCCGGCCGAATCCGTGCTCACCGAGGACACCTGCG-3'
Protein context (NP_057953.1, residues 175-195): AGSSYSISGI[Leu185Pro]GITSPSADTN